The following is an entry in ClinVar:

ClinVar aggregate classification (germline): Uncertain significance (1 of 4 stars; one submission).

Conditions:
Peroxisome biogenesis disorder. Identifiers: Orphanet 79189, MedGen C1832200, MONDO:0019234. Disease mechanism: loss of function.

Allele frequency attached by ClinVar (database versions not stated): gnomAD exomes below 0.00001.
gnomAD v4.1: 1 of 1,613,916 alleles (0.000062%); highest among the groups gnomAD compares: Non-Finnish European, 0.000085%; no homozygotes.

Submission:

Labcorp Genetics (formerly Invitae), Labcorp
Classification: Uncertain significance for Peroxisome biogenesis disorder. Last evaluated: 2022-07-19. Review status: criteria provided, single submitter. Criteria: Invitae Variant Classification Sherloc (09022015). Collection method: clinical testing. Allele origin: germline.
Comment: In summary, the available evidence is currently insufficient to determine the role of this variant in disease. Therefore, it has been classified as a Variant of Uncertain Significance. Algorithms developed to predict the effect of missense changes on protein structure and function are either unavailable or do not agree on the potential impact of this missense change (SIFT: "Tolerated"; PolyPhen-2: "Possibly Damaging"; Align-GVGD: "Class C0"). ClinVar contains an entry for this variant (Variation ID: 1497415). This variant has not been reported in the literature in individuals affected with PEX6-related conditions. This variant is not present in population databases (gnomAD no frequency). This sequence change replaces leucine, which is neutral and non-polar, with phenylalanine, which is neutral and non-polar, at codon 467 of the PEX6 protein (p.Leu467Phe).

NM_000287.4(PEX6):c.1399C>T (p.Leu467Phe)

Gene: PEX6 (peroxisomal biogenesis factor 6; minus strand). Cytogenetic location: 6p21.1.
Variant type: single nucleotide variant.
Coding change: c.1399C>T on transcript NM_000287.4 (MANE Select); coding-DNA position 1399, C replaced by T.
Protein change: p.Leu467Phe; replaces leucine 467 with phenylalanine.
Molecular consequence: missense variant. On other transcripts: non-coding transcript variant (1).
Genome position (GRCh38, 1-based): chr6:42,968,954, G>A on the plus strand (C>T on the coding strand, the complement: PEX6 is on the minus strand). VCF-style: chr6-42968954-G-A. GRCh37 (hg19) VCF-style: chr6-42936692-G-A.
Other names: c.1135C>T, p.Leu379Phe (NM_001316313.2); short protein forms L467F, L379F.
Identifiers: ClinVar variation 1497415 (VCV001497415.8), dbSNP rs2114246028, ClinGen allele CA364155395.